The following is an entry in ClinVar:

ClinVar aggregate classification (germline): Conflicting classifications of pathogenicity. Review status: criteria provided, conflicting classifications (1 of 4 stars). 3 submissions from 3 submitters: Likely pathogenic (2); Uncertain significance (1). Last evaluated 2024-10-24.

Conditions:
Holoprosencephaly 3 (HPE3). Identifiers: Orphanet 2162, MedGen C1840529, MONDO:0007733, OMIM 142945.

Submissions (3):

Labcorp Genetics (formerly Invitae), Labcorp
Classification: Likely pathogenic for Holoprosencephaly 3. Last evaluated: 2024-10-24. Review status: criteria provided, single submitter. Criteria: Invitae Variant Classification Sherloc (09022015). Collection method: clinical testing. Allele origin: germline.
Comment: This sequence change replaces alanine, which is neutral and non-polar, with valine, which is neutral and non-polar, at codon 346 of the SHH protein (p.Ala346Val). This variant is not present in population databases (gnomAD no frequency). This missense change has been observed in individuals with holoprosencephaly (PMID: 19603532; internal data). ClinVar contains an entry for this variant (Variation ID: 1416442). Invitae Evidence Modeling of protein sequence and biophysical properties (such as structural, functional, and spatial information, amino acid conservation, physicochemical variation, residue mobility, and thermodynamic stability) indicates that this missense variant is expected to disrupt SHH protein function with a positive predictive value of 80%. Experimental studies have shown that this missense change affects SHH function (PMID: 32939873). In summary, the currently available evidence indicates that the variant is pathogenic, but additional data are needed to prove that conclusively. Therefore, this variant has been classified as Likely Pathogenic.

GeneDx
Classification: Uncertain significance. Last evaluated: 2022-08-09. Review status: criteria provided, single submitter. Criteria: GeneDx Variant Classification Process June 2021. Collection method: clinical testing. Allele origin: germline. Affected: yes.
Comment: Not observed at significant frequency in large population cohorts (gnomAD); In silico analysis supports that this missense variant has a deleterious effect on protein structure/function; This variant is associated with the following publications: (PMID: 19603532, 32939873, 29992659, 22791840)

Juno Genomics, Hangzhou Juno Genomics, Inc
Classification: Likely pathogenic for Holoprosencephaly 3. Review status: criteria provided, single submitter. Criteria: ACMG Guidelines, 2015. Collection method: clinical testing. Allele origin: germline. Affected: yes.
Comment: Absent from controls (or at extremely low frequency if recessive) in Genome Aggregation Database, Exome Sequencing Project, 1000 Genomes Project, or Exome Aggregation Consortium.;Multiple lines of computational evidence support a deleterious effect on the gene or gene product (conservation, evolutionary, splicing impact, etc).;The prevalence of the variant in affected individuals is significantly increased compared to the prevalence in controls.;Patient's phenotype or family history is highly specific for a disease with a single genetic etiology.

Literature cited by the submitters: PubMed 19603532 (cited by Labcorp Genetics (formerly Invitae), Labcorp); PubMed 32939873 (cited by Labcorp Genetics (formerly Invitae), Labcorp).

NM_000193.4(SHH):c.1037C>T (p.Ala346Val)

Gene: SHH (sonic hedgehog signaling molecule; minus strand). Cytogenetic location: 7q36.3.
Variant type: single nucleotide variant.
Coding change: c.1037C>T on transcript NM_000193.4 (MANE Select); coding-DNA position 1037, C replaced by T.
Protein change: p.Ala346Val; replaces alanine 346 with valine.
Molecular consequence: missense variant. On other transcripts: intron variant (1).
Genome position (GRCh38, 1-based): chr7:155,803,252, G>A on the plus strand (C>T on the coding strand, the complement: SHH is on the minus strand). VCF-style: chr7-155803252-G-A. GRCh37 (hg19) VCF-style: chr7-155595946-G-A.
Other names: c.302-3007C>T (NM_001310462.2); c.1037C>T (NM_000193.2); short protein forms A346V.
Identifiers: ClinVar variation 1416442 (VCV001416442.7), dbSNP rs2117126655, ClinGen allele CA370145337.